The following is an entry in ClinVar:

ClinVar aggregate classification (germline): Pathogenic (1 of 4 stars; one submission).

Conditions:
Long QT syndrome (LQTS). Identifiers: MedGen C0023976, MeSH D008133, MONDO:0002442. Disease mechanism: loss of function. Inheritance: Various modes of inheritance.

Submission:

Labcorp Genetics (formerly Invitae), Labcorp
Classification: Pathogenic for Long QT syndrome. Last evaluated: 2023-07-17. Review status: criteria provided, single submitter. Criteria: Invitae Variant Classification Sherloc (09022015). Collection method: clinical testing. Allele origin: germline.
Comment: For these reasons, this variant has been classified as Pathogenic. This variant disrupts a region of the KCNQ1 protein in which other variant(s) (p.Gly272Asp) have been determined to be pathogenic (PMID: 11140949, 16414944, 19716085, 22629021; Invitae). This suggests that this is a clinically significant region of the protein, and that variants that disrupt it are likely to be disease-causing. Experimental studies and prediction algorithms are not available or were not evaluated, and the functional significance of this variant is currently unknown. ClinVar contains an entry for this variant (Variation ID: 861314). This variant has been observed in individual(s) with clinical features of long QT syndrome (Invitae). This variant is not present in population databases (gnomAD no frequency). This variant, c.813_818del, results in the deletion of 2 amino acid(s) of the KCNQ1 protein (p.Gly272_Leu273del), but otherwise preserves the integrity of the reading frame.

Literature cited by the submitters: PubMed 11140949; PubMed 16414944; PubMed 19716085; PubMed 22629021.

NM_000218.3(KCNQ1):c.813_818del (p.Gly272_Leu273del)

Gene: KCNQ1 (potassium voltage-gated channel subfamily Q member 1; plus strand). Cytogenetic location: 11p15.5.
Variant type: Deletion.
Coding change: c.813_818del on transcript NM_000218.3 (MANE Select); coding-DNA positions 813 to 818, 6 bases deleted (GGGCCT; older notation c.813_818delGGGCCT).
Protein change: p.Gly272_Leu273del.
Molecular consequence: inframe deletion. On other transcripts: inframe indel (4).
Genome position (GRCh38, 1-based): chr11:2,572,878-2,572,883, GGGCCT deleted; deleting any 6 consecutive bases within chr11:2,572,875-2,572,883 gives the same sequence; the c. name uses the placement nearest the transcript's 3' end. VCF-style (leftmost placement, unchanged base first): chr11-2572874-TCCTGGG-T. GRCh37 (hg19) VCF-style: chr11-2594104-TCCTGGG-T.
Other names: c.813_818delGGGCCT, p.Gly272_Leu273del (NM_000218.2, NM_001406836.1); c.543_548delGGGCCT, p.Gly182_Leu183del (NM_001406837.1); c.432_437delGGGCCT, p.Gly145_Leu146del (NM_181798.2).
Identifiers: ClinVar variation 861314 (VCV000861314.12), dbSNP rs1848360153, ClinGen allele CA916079942.
Genomic context (GRCh38, chr11:2,572,874, plus strand): 5'-TGGAGCCCGACACTGTGTGTTTTCTGGCCTAGGAGCTGATAACCACCCTGTACATCGGCT[TCCTGGG>T]CCTCATCTTCTCCTCGTACTTTGTGTACCTGGCTGAGAAGGACGCGGTGAACGAGTCAGG-3'